The following is an entry in ClinVar:

ClinVar aggregate classification (germline): Uncertain significance (1 of 4 stars; one submission).

Allele frequency attached by ClinVar (database versions not stated): gnomAD exomes below 0.00001.
gnomAD v4.1: 1 of 1,611,064 alleles (0.000062%); no homozygotes.

Submission:

GeneDx
Classification: Uncertain significance. Last evaluated: 2022-02-26. Review status: criteria provided, single submitter. Criteria: GeneDx Variant Classification Process June 2021. Collection method: clinical testing. Allele origin: germline. Affected: yes.
Comment: Has not been previously published as pathogenic or benign to our knowledge; Not observed at significant frequency in large population cohorts (gnomAD); In silico analysis supports that this missense variant has a deleterious effect on protein structure/function

NM_001693.4(ATP6V1B2):c.1250A>G (p.Asp417Gly)

Gene: ATP6V1B2 (ATPase H+ transporting V1 subunit B2; plus strand). Cytogenetic location: 8p21.3.
Variant type: single nucleotide variant.
Coding change: c.1250A>G on transcript NM_001693.4 (MANE Select); coding-DNA position 1250, A replaced by G.
Protein change: p.Asp417Gly; replaces aspartic acid 417 with glycine.
Molecular consequence: missense variant.
Genome position (GRCh38, 1-based): chr8:20,217,308, A>G. VCF-style: chr8-20217308-A-G. GRCh37 (hg19) VCF-style: chr8-20074819-A-G.
Other names: short protein forms D417G.
Identifiers: ClinVar variation 1703322 (VCV001703322.2), dbSNP rs2072865477, ClinGen allele CA370473451.